The following is an entry in ClinVar:

ClinVar aggregate classification (germline): Benign/Likely benign. Review status: criteria provided, multiple submitters, no conflicts (2 of 4 stars). 4 submissions from 4 submitters: Benign (2); Likely benign (2). Last evaluated 2022-04-19.

Conditions:
Hereditary breast ovarian cancer syndrome. Also called: Hereditary breast and ovarian cancer syndrome; Hereditary breast and ovarian cancer; Hereditary breast and ovarian cancer syndrome (HBOC); Breast and ovarian cancer; Hereditary breast and/or ovarian cancer syndrome; BRCA1- and BRCA2-Associated Hereditary Breast and Ovarian Cancer. Identifiers: Orphanet 145, MedGen C0677776, MeSH D061325, MONDO:0003582. Disease mechanism: loss of function.
Familial cancer of breast. Also called: BREAST CANCER, FAMILIAL; Hereditary breast cancer; hereditary breast carcinoma. Identifiers: Orphanet 227535, MedGen C0346153, MONDO:0016419, OMIM 114480. Disease mechanism: loss of function.

Allele frequency attached by ClinVar (database versions not stated): 1000 Genomes Project 0.01458; 1000 Genomes Project 30x 0.01468; TOPMed 0.02417; gnomAD 0.02454.
gnomAD v4.1: 33,593 of 1,489,776 alleles (2.3%); highest among the groups gnomAD compares: Middle Eastern, 3.2%; 462 homozygotes.

Submissions (4):

National Health Laboratory Service, Universitas Academic Hospital and University of the Free State
Classification: Benign for Hereditary breast ovarian cancer syndrome. Last evaluated: 2022-04-19. Review status: criteria provided, single submitter. Criteria: ACMG Guidelines, 2015. Collection method: clinical testing. Allele origin: germline. Affected: yes. Observed: 3 variant alleles.

GeneDx
Classification: Likely benign. Last evaluated: 2018-06-18. Review status: criteria provided, single submitter. Criteria: GeneDx Variant Classification (06012015). Collection method: clinical testing. Allele origin: germline. Affected: yes.
Comment: This variant is considered likely benign or benign based on one or more of the following criteria: it is a conservative change, it occurs at a poorly conserved position in the protein, it is predicted to be benign by multiple in silico algorithms, and/or has population frequency not consistent with disease.

Illumina Laboratory Services, Illumina
Classification: Benign for Familial cancer of breast. Last evaluated: 2018-01-13. Review status: criteria provided, single submitter. Criteria: ICSL Variant Classification Criteria 13 December 2019. Collection method: clinical testing. Allele origin: germline.
Comment: This variant was observed in the ICSL laboratory as part of a predisposition screen in an ostensibly healthy population. It had not been previously curated by ICSL or reported in the Human Gene Mutation Database (HGMD: prior to June 1st, 2018), and was therefore a candidate for classification through an automated scoring system. Utilizing variant allele frequency, disease prevalence and penetrance estimates, and inheritance mode, an automated score was calculated to assess if this variant is too frequent to cause the disease. Based on the score and internal cut-off values, a variant classified as benign is not then subjected to further curation. The score for this variant resulted in a classification of benign for this disease.

Breakthrough Genomics
Classification: Likely benign. Review status: criteria provided, single submitter. Criteria: ACMG Guidelines, 2015. Collection method: not provided. Allele origin: germline. Inheritance: Autosomal dominant inheritance. Affected: yes.

NM_000465.4(BARD1):c.-83C>T

Genes: BARD1 (BRCA1 associated RING domain 1; minus strand), LOC129935544 (ATAC-STARR-seq lymphoblastoid silent region 12296; plus strand). Cytogenetic location: 2q35.
Variant type: single nucleotide variant.
Coding change: c.-83C>T on transcript NM_000465.4 (MANE Select); 83 bases upstream of the start codon, C replaced by T.
Molecular consequence: 5 prime UTR variant. On other transcripts: non-coding transcript variant (3).
Genome position (GRCh38, 1-based): chr2:214,809,652, G>A on the plus strand (C>T on the coding strand, the complement: BARD1 is on the minus strand). VCF-style: chr2-214809652-G-A. GRCh37 (hg19) VCF-style: chr2-215674376-G-A.
Other names: c.-83C>T (NM_001282543.2, NM_001282545.2, NM_001282548.2 and 1 more transcripts).
Identifiers: ClinVar variation 334202 (VCV000334202.9), dbSNP rs71579840, ClinGen allele CA10614085.